The following is an entry in ClinVar:

ClinVar aggregate classification (germline): Uncertain significance (1 of 4 stars; one submission).

Submission:

Ambry Genetics
Classification: Uncertain significance. Last evaluated: 2023-04-13. Review status: criteria provided, single submitter. Criteria: Ambry Variant Classification Scheme 2023. Collection method: clinical testing. Allele origin: germline.
Comment: The p.P288A variant (also known as c.862C>G), located in coding exon 10 of the NPAT gene, results from a C to G substitution at nucleotide position 862. The proline at codon 288 is replaced by alanine, an amino acid with highly similar properties. This amino acid position is conserved. In addition, this alteration is predicted to be tolerated by in silico analysis. Since supporting evidence is limited at this time, the clinical significance of this alteration remains unclear.

NM_002519.3(NPAT):c.862C>G (p.Pro288Ala)

Gene: NPAT (nuclear protein, coactivator of histone transcription; minus strand). Cytogenetic location: 11q22.3.
Variant type: single nucleotide variant.
Coding change: c.862C>G on transcript NM_002519.3 (MANE Select); coding-DNA position 862, C replaced by G.
Protein change: p.Pro288Ala; replaces proline 288 with alanine.
Molecular consequence: missense variant.
Genome position (GRCh38, 1-based): chr11:108,185,276, G>C on the plus strand (C>G on the coding strand, the complement: NPAT is on the minus strand). VCF-style: chr11-108185276-G-C. GRCh37 (hg19) VCF-style: chr11-108056003-G-C.
Other names: c.862C>G, p.Pro288Ala (NM_001321307.1); short protein forms P288A.
Identifiers: ClinVar variation 2562555 (VCV002562555.2), dbSNP rs1337522849, ClinGen allele CA382519969.